The following is an entry in ClinVar:

ClinVar aggregate classification (germline): Uncertain significance. Review status: criteria provided, multiple submitters, no conflicts (2 of 4 stars). 3 submissions from 3 submitters: Uncertain significance (3). Last evaluated 2026-01-05.

Conditions:
Carney complex, type 1 (CNC1). Also called: CARNEY MYXOMA-ENDOCRINE COMPLEX; CARNEY COMPLEX, TYPE I. Identifiers: Orphanet 1359, MedGen C2607929, MONDO:0008057, OMIM 160980.
Hereditary cancer-predisposing syndrome. Also called: Neoplastic Syndromes, Hereditary; Tumor predisposition; Hereditary neoplastic syndrome; Hereditary Cancer Syndrome. Identifiers: Orphanet 140162, MedGen C0027672, MeSH D009386, MONDO:0015356.

Allele frequency attached by ClinVar (database versions not stated): gnomAD exomes below 0.00001.
gnomAD v4.1: 3 of 1,613,948 alleles (0.00019%); highest among the groups gnomAD compares: Non-Finnish European, 0.00017%; no homozygotes.

Submissions (3):

Labcorp Genetics (formerly Invitae), Labcorp
Classification: Uncertain significance for Carney complex, type 1. Last evaluated: 2026-01-05. Review status: criteria provided, single submitter. Criteria: Invitae Variant Classification Sherloc (09022015). Collection method: clinical testing. Allele origin: germline.
Comment: This sequence change replaces arginine, which is basic and polar, with histidine, which is basic and polar, at codon 264 of the PRKAR1A protein (p.Arg264His). This variant is present in population databases (no rsID available, gnomAD 0.01%). This variant has not been reported in the literature in individuals affected with PRKAR1A-related conditions. ClinVar contains an entry for this variant (Variation ID: 827334). Invitae Evidence Modeling of protein sequence and biophysical properties (such as structural, functional, and spatial information, amino acid conservation, physicochemical variation, residue mobility, and thermodynamic stability) indicates that this missense variant is expected to disrupt PRKAR1A protein function with a positive predictive value of 95%. In summary, the available evidence is currently insufficient to determine the role of this variant in disease. Therefore, it has been classified as a Variant of Uncertain Significance.

Ambry Genetics
Classification: Uncertain significance for Hereditary cancer-predisposing syndrome. Last evaluated: 2023-01-12. Review status: criteria provided, single submitter. Criteria: Ambry Variant Classification Scheme 2023. Collection method: clinical testing. Allele origin: germline.
Comment: The p.R264H variant (also known as c.791G>A), located in coding exon 8 of the PRKAR1A gene, results from a G to A substitution at nucleotide position 791. The arginine at codon 264 is replaced by histidine, an amino acid with highly similar properties. This amino acid position is highly conserved in available vertebrate species. In addition, this alteration is predicted to be deleterious by in silico analysis. Since supporting evidence is limited at this time, the clinical significance of this alteration remains unclear.

Women's Health and Genetics/Laboratory Corporation of America, LabCorp
Classification: Uncertain significance. Last evaluated: 2019-07-05. Review status: criteria provided, single submitter. Criteria: LabCorp Variant Classification Summary - May 2015. Collection method: clinical testing. Allele origin: germline.
Comment: Variant summary: PRKAR1A c.791G>A (p.Arg264His) results in a non-conservative amino acid change located in the cyclic nucleotide-binding domain (IPR000595) of the encoded protein sequence. Four of five in-silico tools predict a damaging effect of the variant on protein function. The variant allele was found at a frequency of 4e-06 in 251324 control chromosomes. The available data on variant occurrences in the general population are insufficient to allow any conclusion about variant significance. To our knowledge, no occurrence of c.791G>A in individuals affected with Carney Complex and no experimental evidence demonstrating its impact on protein function have been reported. No clinical diagnostic laboratories have submitted clinical-significance assessments for this variant to ClinVar after 2014. Based on the evidence outlined above, the variant was classified as uncertain significance.

NM_002734.5(PRKAR1A):c.791G>A (p.Arg264His)

Gene: PRKAR1A (protein kinase cAMP-dependent type I regulatory subunit alpha; plus strand). Cytogenetic location: 17q24.2.
Variant type: single nucleotide variant.
Coding change: c.791G>A on transcript NM_002734.5 (MANE Select); coding-DNA position 791, G replaced by A.
Protein change: p.Arg264His; replaces arginine 264 with histidine.
Molecular consequence: missense variant.
Genome position (GRCh38, 1-based): chr17:68,528,891, G>A. VCF-style: chr17-68528891-G-A. GRCh37 (hg19) VCF-style: chr17-66525032-G-A.
Other names: c.791G>A, p.Arg264His (NM_001276289.2, NM_001276290.1, NM_001278433.2 and 4 more transcripts); short protein forms R264H.
Identifiers: ClinVar variation 827334 (VCV000827334.10), dbSNP rs1303569195, ClinGen allele CA400753828.
Genomic context (GRCh38, chr17:68,528,891, plus strand): 5'-AAATAATACAGAGCAGTTATTTTGATTCTTGTCTTTCAGAGTCTCTGGACAAGTGGGAAC[G>A]TCTTACGGTAGCTGATGCATTGGAACCAGTGCAGTTTGAAGATGGGCAGAAGATTGTGGT-3'
Protein context (NP_002725.1, residues 254-274): SILESLDKWE[Arg264His]LTVADALEPV